The following is an entry in ClinVar:

ClinVar aggregate classification (germline): Benign/Likely benign. Review status: criteria provided, multiple submitters, no conflicts (2 of 4 stars). 2 submissions from 2 submitters: Benign (1); Likely benign (1). Last evaluated 2025-01-13.

Conditions:
Hereditary cancer-predisposing syndrome. Also called: Neoplastic Syndromes, Hereditary; Tumor predisposition; Hereditary Cancer Syndrome; Hereditary neoplastic syndrome. Identifiers: Orphanet 140162, MedGen C0027672, MeSH D009386, MONDO:0015356.
Familial cancer of breast. Also called: BREAST CANCER, FAMILIAL; Hereditary breast cancer; hereditary breast carcinoma. Identifiers: Orphanet 227535, MedGen C0346153, MONDO:0016419, OMIM 114480. Disease mechanism: loss of function.

Allele frequency attached by ClinVar (database versions not stated): TOPMed below 0.00001.
gnomAD v4.1: 2 of 1,614,074 alleles (0.00012%); highest among the groups gnomAD compares: Non-Finnish European, 0.000085%; no homozygotes.

Submissions (2):

Myriad Genetics, Inc.
Classification: Benign for Familial cancer of breast. Last evaluated: 2025-01-13. Review status: criteria provided, single submitter. Criteria: Myriad Autosomal Dominant, Autosomal Recessive and X-Linked Classification Criteria (2023). Collection method: clinical testing. Allele origin: unknown.
Comment: This variant is considered benign. This variant is a silent/synonymous amino acid change and it is not expected to impact splicing.

Ambry Genetics
Classification: Likely benign for Hereditary cancer-predisposing syndrome. Last evaluated: 2015-11-18. Review status: criteria provided, single submitter. Criteria: Ambry Variant Classification Scheme 2023. Collection method: clinical testing. Allele origin: germline.

NM_024675.4(PALB2):c.1074C>T (p.Pro358=)

Gene: PALB2 (partner and localizer of BRCA2; minus strand). Cytogenetic location: 16p12.2.
Variant type: single nucleotide variant.
Coding change: c.1074C>T on transcript NM_024675.4 (MANE Select); coding-DNA position 1074, C replaced by T.
Protein change: p.Pro358=; no amino-acid change (proline 358 retained).
Molecular consequence: synonymous variant. On other transcripts: intron variant (3).
Genome position (GRCh38, 1-based): chr16:23,635,472, G>A on the plus strand (C>T on the coding strand, the complement: PALB2 is on the minus strand). VCF-style: chr16-23635472-G-A. GRCh37 (hg19) VCF-style: chr16-23646793-G-A.
Other names: c.1014C>T, p.Pro338= (NM_001407296.1); c.1074C>T, p.Pro358= (NM_001407297.1, NM_001407298.1, NM_001407299.1 and 3 more transcripts); c.189C>T, p.Pro63= (NM_001407304.1, NM_001407305.1, NM_001407306.1 and 5 more transcripts); c.48+5638C>T (NM_001407314.1); c.-104-5003C>T (NM_001407313.1, NM_001407312.1).
Identifiers: ClinVar variation 1784422 (VCV001784422.3), dbSNP rs1966995930, ClinGen allele CA494461579.